The following is an entry in ClinVar:

NM_002224.4(ITPR3):c.4218C>G (p.Ile1406Met)

Gene: ITPR3 (inositol 1,4,5-trisphosphate receptor type 3; plus strand). Cytogenetic location: 6p21.31.
Variant type: single nucleotide variant.
Coding change: c.4218C>G on transcript NM_002224.4 (MANE Select); coding-DNA position 4218, C replaced by G.
Protein change: p.Ile1406Met; replaces isoleucine 1406 with methionine.
Molecular consequence: missense variant.
Genome position (GRCh38, 1-based): chr6:33,680,127, C>G. VCF-style: chr6-33680127-C-G. GRCh37 (hg19) VCF-style: chr6-33647904-C-G.
Other names: short protein forms I1406M.
Identifiers: ClinVar variation 2345476 (VCV002345476.28), dbSNP rs200180514, ClinGen allele CA3761158.

ClinVar aggregate classification (germline): Conflicting classifications of pathogenicity. Review status: criteria provided, conflicting classifications (1 of 4 stars). 3 submissions from 3 submitters: Uncertain significance (2); Likely benign (1). Last evaluated 2025-07-01.

Conditions:
Charcot-Marie-Tooth disease, demyelinating, type 1J. Also called: CHARCOT-MARIE-TOOTH NEUROPATHY, DEMYELINATING, TYPE 1J. Identifiers: MedGen C5774249, MONDO:0859311, OMIM 620111.

Allele frequency attached by ClinVar (database versions not stated): gnomAD 0.00007; ESP Exome Variant Server 0.00008; 1000 Genomes Project 30x 0.00016; gnomAD exomes 0.00016; TOPMed 0.00018; 1000 Genomes Project 0.00020; ExAC 0.00024.
gnomAD v4.1: 245 of 1,612,216 alleles (0.015%); highest among the groups gnomAD compares: Middle Eastern, 0.43%; 1 homozygote.

Submissions (3):

CeGaT Center for Human Genetics Tuebingen
Classification: Likely benign. Last evaluated: 2025-07-01. Review status: criteria provided, single submitter. Criteria: CeGaT Center For Human Genetics Tuebingen Variant Classification Criteria Version 2. Collection method: clinical testing. Allele origin: germline. Affected: yes. Observed: 2 variant alleles.
Comment: ITPR3: BS2

Ambry Genetics
Classification: Uncertain significance. Last evaluated: 2024-09-30. Review status: criteria provided, single submitter. Criteria: Ambry Variant Classification Scheme 2023. Collection method: clinical testing. Allele origin: germline.

New York Genome Center
Classification: Uncertain significance for Charcot-Marie-Tooth disease, demyelinating, type 1J. Last evaluated: 2023-04-10. Review status: criteria provided, single submitter. Criteria: NYGC Assertion Criteria 2020. Collection method: clinical testing. Allele origin: germline. Observed: 1 heterozygote.